The following is an entry in ClinVar:

ClinVar aggregate classification (germline): Uncertain significance (1 of 4 stars; one submission).

Conditions:
Glycine encephalopathy 1 (GCE1). Identifiers: MedGen CN376801, MONDO:0958179, OMIM 605899.

Submission:

3billion
Classification: Uncertain significance for Glycine encephalopathy 1. Last evaluated: 2024-07-26. Review status: criteria provided, single submitter. Criteria: ACMG Guidelines, 2015. Collection method: clinical testing. Allele origin: germline. Affected: yes.
Comment: The variant is not observed in the gnomAD v4.0.0 dataset. Predicted Consequence/Location: Missense variant In silico tool predictions suggest damaging effect of the variant on gene or gene product [REVEL: 0.87 (>=0.6, sensitivity 0.68 and specificity 0.92); 3Cnet: 0.94 (>=0.6, sensitivity 0.72 and precision 0.9)]. Different missense changes at the same codon (p.Phe919Ile, p.Phe919Val) have been reported as pathogenic/likely pathogenic with strong evidence (ClinVar ID: VCV000861636, VCV001465518). Therefore, this variant is classified as VUS according to the recommendation of ACMG/AMP guideline.

NM_000170.3(GLDC):c.2756T>C (p.Phe919Ser)

Gene: GLDC (glycine decarboxylase; minus strand). Cytogenetic location: 9p24.1.
Variant type: single nucleotide variant.
Coding change: c.2756T>C on transcript NM_000170.3 (MANE Select); coding-DNA position 2756, T replaced by C.
Protein change: p.Phe919Ser; replaces phenylalanine 919 with serine.
Molecular consequence: missense variant.
Genome position (GRCh38, 1-based): chr9:6,536,146, A>G on the plus strand (T>C on the coding strand, the complement: GLDC is on the minus strand). VCF-style: chr9-6536146-A-G. GRCh37 (hg19) VCF-style: chr9-6536146-A-G.
Other names: short protein forms F919S.
Identifiers: ClinVar variation 4292651 (VCV004292651.1).
Genomic context (GRCh38, chr9:6,536,146, plus strand): 5'-TCGATGCGGCCCTCCTCAATGTCAGCAATTTCCTGCCGAATGCTGATCATGGCATCACAG[A>G]ATCTGTCCAGCTCTGCCTTGTCCTCCGACTCAGTGGGCTCCACCATGAGGGTCCCTGCCA-3'
Protein context (NP_000161.2, residues 909-929): ESEDKAELDR[Phe919Ser]CDAMISIRQE